The following is an entry in ClinVar:

ClinVar aggregate classification (germline): Likely benign (0 of 4 stars; one submission).

Conditions:
PTPRS-related disorder. Also called: PTPRS-related condition.

Allele frequency attached by ClinVar (database versions not stated): gnomAD 0.00007; TOPMed 0.00008; gnomAD exomes 0.00010; ExAC 0.00027.
gnomAD v4.1: 163 of 1,593,602 alleles (0.01%); highest among the groups gnomAD compares: South Asian, 0.13%; 3 homozygotes.

Submission:

PreventionGenetics, part of Exact Sciences
Classification: Likely benign for PTPRS-related condition. Last evaluated: 2019-02-23. Review status: no assertion criteria provided. Collection method: clinical testing. Allele origin: germline.
Comment: This variant is classified as likely benign based on ACMG/AMP sequence variant interpretation guidelines (Richards et al. 2015 PMID: 25741868, with internal and published modifications).

NM_002850.4(PTPRS):c.2947C>T (p.Leu983=)

Gene: PTPRS (protein tyrosine phosphatase receptor type S; minus strand). Cytogenetic location: 19p13.3.
Variant type: single nucleotide variant.
Coding change: c.2947C>T on transcript NM_002850.4 (MANE Select); coding-DNA position 2947, C replaced by T.
Protein change: p.Leu983=; no amino-acid change (leucine 983 retained).
Molecular consequence: synonymous variant. On other transcripts: intron variant (2).
Genome position (GRCh38, 1-based): chr19:5,222,845, G>A on the plus strand (C>T on the coding strand, the complement: PTPRS is on the minus strand). VCF-style: chr19-5222845-G-A. GRCh37 (hg19) VCF-style: chr19-5222856-G-A.
Other names: c.2881C>T, p.Leu961= (NM_001394011.1, NM_001394013.1, NM_130854.3); c.2908C>T, p.Leu970= (NM_001394012.1); c.1811-625C>T (NM_130853.3); c.1823-625C>T (NM_130855.3).
Identifiers: ClinVar variation 3051005 (VCV003051005.2), dbSNP rs769774460, ClinGen allele CA9109803.
Genomic context (GRCh38, chr19:5,222,845, plus strand): 5'-CGGGCTTCAGGCCCTGCAGCGTGAGCGCGTTCTCCGCGCCCGGCTCAGCCGCTGCCGGCA[G>A]CTCAGTCTCTCGGGCAGGGCCCAGGGCACCGGCCTCCCGCACGGCCACCGTGTATTTGAC-3'
Protein context (NP_002841.3, residues 973-993): GALGPARETE[Leu983=]PAAAEPGAEN